The following is an entry in ClinVar:

ClinVar aggregate classification (germline): Benign (1 of 4 stars; one submission).

Conditions:
Mitochondrial disease. Also called: Mitochondrial disorders; Mitochondrial disorder. Identifiers: Orphanet 68380, MedGen C0751651, MeSH D028361, MONDO:0044970.

gnomAD v4.1: 27,050 of 405,314 alleles (6.7%); highest among the groups gnomAD compares: South Asian, 16%; 1,892 homozygotes.

Submission:

Genomenon, Inc
Classification: Benign for Mitochondrial disease. Last evaluated: 2025-11-24. Review status: criteria provided, single submitter. Criteria: Genomenon Sequence Variant Interpretation Standards - Updated. Collection method: curation. Allele origin: germline. Affected: no.
Comment: TK2 c.156+836G>A is a deeply intronic variant located in intron 2. This variant is present at a high allele frequency in population databases. In conclusion, we classify TK2 c.156+836G>A as a benign variant.

NM_004614.5(TK2):c.156+836G>A

Gene: TK2 (thymidine kinase 2; minus strand). Cytogenetic location: 16q21.
Variant type: single nucleotide variant.
Coding change: c.156+836G>A on transcript NM_004614.5 (MANE Select); 836 bases into the intron after coding-DNA position 156, G replaced by A.
Molecular consequence: intron variant.
Genome position (GRCh38, 1-based): chr16:66,548,142, C>T on the plus strand (G>A on the coding strand, the complement: TK2 is on the minus strand). VCF-style: chr16-66548142-C-T. GRCh37 (hg19) VCF-style: chr16-66582045-C-T.
Other names: c.63+836G>A (NM_001271935.1, NM_001172643.1); c.156+836G>A (NM_001172644.2, NM_001172645.2); c.-86-77G>A (NM_001271934.2); c.-136+836G>A (NM_001272050.2).
Identifiers: ClinVar variation 3778874 (VCV003778874.2).